The following is an entry in ClinVar:

NM_172351.3(CD46):c.478G>T (p.Val160Phe)

Gene: CD46 (CD46 molecule; plus strand). Cytogenetic location: 1q32.2.
Variant type: single nucleotide variant.
Coding change: c.478G>T on transcript NM_172351.3 (MANE Select); coding-DNA position 478, G replaced by T.
Protein change: p.Val160Phe; replaces valine 160 with phenylalanine.
Molecular consequence: missense variant.
Genome position (GRCh38, 1-based): chr1:207,761,251, G>T. VCF-style: chr1-207761251-G-T. GRCh37 (hg19) VCF-style: chr1-207934596-G-T.
Other names: c.478G>T, p.Val160Phe (NM_002389.4, NM_153826.4, NM_172350.3 and 8 more transcripts); short protein forms V160F.
Identifiers: ClinVar variation 4291279 (VCV004291279.1).

ClinVar aggregate classification (germline): Uncertain significance (1 of 4 stars; one submission).

Conditions:
Atypical hemolytic-uremic syndrome. Identifiers: Orphanet 2134, MedGen C2931788, MONDO:0016244.

Submission:

Genomenon, Inc
Classification: Uncertain significance for Atypical hemolytic-uremic syndrome. Last evaluated: 2025-10-02. Review status: criteria provided, single submitter. Criteria: Genomenon Sequence Variant Interpretation Standards. Collection method: curation. Allele origin: germline. Affected: yes.
Comment: CD46 p.Val160Phe (c.478G>T) is a missense variant that changes the amino acid at residue 160 from Valine to Phenylalanine. This variant has been observed in at least one proband affected with atypical hemolytic-uremic syndrome (PMID:33912760). It is absent or not present at a significant frequency in gnomAD. In silico models agree that this variant is not damaging. In conclusion, we classify CD46 p.Val160Phe (c.478G>T) as a variant of uncertain significance.

Literature cited by the submitters: PubMed 33912760.